The following is an entry in ClinVar:

ClinVar aggregate classification (germline): Likely benign (1 of 4 stars; one submission).

Conditions:
Macular corneal dystrophy (MCD). Also called: GROENOUW TYPE II CORNEAL DYSTROPHY; Macular corneal dystrophy Type I. Identifiers: Orphanet 98969, MedGen C1636149, MONDO:0009020, OMIM 217800.

Allele frequency attached by ClinVar (database versions not stated): 1000 Genomes Project 0.00060; 1000 Genomes Project 30x 0.00109; TOPMed 0.00264.

Submission:

Illumina Laboratory Services, Illumina
Classification: Likely benign for Macular corneal dystrophy. Last evaluated: 2018-01-13. Review status: criteria provided, single submitter. Criteria: ICSL Variant Classification Criteria 13 December 2019. Collection method: clinical testing. Allele origin: germline.
Comment: This variant was observed in the ICSL laboratory as part of a predisposition screen in an ostensibly healthy population. It had not been previously curated by ICSL or reported in the Human Gene Mutation Database (HGMD: prior to June 1st, 2018), and was therefore a candidate for classification through an automated scoring system. Utilizing variant allele frequency, disease prevalence and penetrance estimates, and inheritance mode, an automated score was calculated to assess if this variant is too frequent to cause the disease. Based on the score and internal cut-off values, a variant classified as likely benign is not then subjected to further curation. The score for this variant resulted in a classification of likely benign for this disease.

NM_021615.5(CHST6):c.*4487C>T

Gene: CHST6 (carbohydrate sulfotransferase 6; minus strand). Cytogenetic location: 16q23.1.
Variant type: single nucleotide variant.
Coding change: c.*4487C>T on transcript NM_021615.5 (MANE Select); 4487 bases downstream of the stop codon, C replaced by T.
Molecular consequence: 3 prime UTR variant.
Genome position (GRCh38, 1-based): chr16:75,474,154, G>A on the plus strand (C>T on the coding strand, the complement: CHST6 is on the minus strand). VCF-style: chr16-75474154-G-A. GRCh37 (hg19) VCF-style: chr16-75508052-G-A.
Identifiers: ClinVar variation 320516 (VCV000320516.5), dbSNP rs182168641, ClinGen allele CA10648067.
Genomic context (GRCh38, chr16:75,474,154, plus strand): 5'-GAAACTGGGAGGCGGAGGTTGCAGTGAGCCAAGATGGCGCCACTGCACTCCAGCCTGGGG[G>A]ACAAGAGCAAGACTCTGCCTCAAAAAAACAGAAACAAAAACATTGTTTTTCTTTGTGAAT-3'